The following is an entry in ClinVar:

NM_015338.6(ASXL1):c.1250G>A (p.Arg417Gln)

Gene: ASXL1 (ASXL transcriptional regulator 1; plus strand). Cytogenetic location: 20q11.21.
Variant type: single nucleotide variant.
Coding change: c.1250G>A on transcript NM_015338.6 (MANE Select); coding-DNA position 1250, G replaced by A.
Protein change: p.Arg417Gln; replaces arginine 417 with glutamine.
Molecular consequence: missense variant.
Genome position (GRCh38, 1-based): chr20:32,433,448, G>A. VCF-style: chr20-32433448-G-A. GRCh37 (hg19) VCF-style: chr20-31021251-G-A.
Other names: c.1067G>A, p.Arg356Gln (NM_001363734.1); short protein forms R356Q, R417Q.
Identifiers: ClinVar variation 2310466 (VCV002310466.6), dbSNP rs769921728, ClinGen allele CA9808326.

ClinVar aggregate classification (germline): Conflicting classifications of pathogenicity. Review status: criteria provided, conflicting classifications (1 of 4 stars). 2 submissions from 2 submitters: Uncertain significance (1); Likely benign (1). Last evaluated 2025-06-06.

Conditions:
Inborn genetic diseases. Identifiers: MedGen C0950123, MeSH D030342.

Allele frequency attached by ClinVar (database versions not stated): gnomAD exomes below 0.00001; ExAC 0.00001; gnomAD 0.00002; TOPMed 0.00002.
gnomAD v4.1: 8 of 1,613,994 alleles (0.0005%); highest among the groups gnomAD compares: Middle Eastern, 0.016%; no homozygotes.

Submissions (2):

Labcorp Genetics (formerly Invitae), Labcorp
Classification: Uncertain significance. Last evaluated: 2025-06-06. Review status: criteria provided, single submitter. Criteria: Invitae Variant Classification Sherloc (09022015). Collection method: clinical testing. Allele origin: germline.
Comment: This sequence change replaces arginine, which is basic and polar, with glutamine, which is neutral and polar, at codon 417 of the ASXL1 protein (p.Arg417Gln). This variant is present in population databases (rs769921728, gnomAD 0.003%). This variant has not been reported in the literature in individuals affected with ASXL1-related conditions. ClinVar contains an entry for this variant (Variation ID: 2310466). An algorithm developed to predict the effect of missense changes on protein structure and function (PolyPhen-2) suggests that this variant is likely to be tolerated. In summary, the available evidence is currently insufficient to determine the role of this variant in disease. Therefore, it has been classified as a Variant of Uncertain Significance.

Ambry Genetics
Classification: Likely benign for Inborn genetic diseases. Last evaluated: 2024-12-17. Review status: criteria provided, single submitter. Criteria: Ambry Variant Classification Scheme 2023. Collection method: clinical testing. Allele origin: germline.